The following is an entry in ClinVar:

NM_004086.3(COCH):c.1026C>T (p.Tyr342=)

Genes: COCH-AS1 (COCH antisense RNA 1; minus strand), COCH (cochlin; plus strand). Cytogenetic location: 14q12.
Variant type: single nucleotide variant.
Coding change: c.1026C>T on transcript NM_004086.3 (MANE Select); coding-DNA position 1026, C replaced by T.
Protein change: p.Tyr342=; no amino-acid change (tyrosine 342 retained).
Molecular consequence: synonymous variant. On other transcripts: non-coding transcript variant (1).
Genome position (GRCh38, 1-based): chr14:30,885,861, C>T. VCF-style: chr14-30885861-C-T. GRCh37 (hg19) VCF-style: chr14-31355067-C-T.
Other names: c.1026C>T (NM_001135058.1); c.1026C>T, p.Tyr342= (NM_001135058.2); c.1221C>T, p.Tyr407= (NM_001347720.2).
Identifiers: ClinVar variation 282143 (VCV000282143.20), dbSNP rs28362777, ClinGen allele CA7143252.
Genomic context (GRCh38, chr14:30,885,861, plus strand): 5'-CTGTCGGAATAATGGCTTCTTCTCTTACCACATGCCCAACTGGTTTGGCACCACAAAATA[C>T]GTAAAGCCTCTGGTACAGAAGCTGTGCACTCATGAACAAATGATGTGCAGCAAGACCTGT-3'
Protein context (NP_004077.1, residues 332-352): HMPNWFGTTK[Tyr342=]VKPLVQKLCT

ClinVar aggregate classification (germline): Benign/Likely benign. Review status: criteria provided, multiple submitters, no conflicts (2 of 4 stars). 6 submissions from 6 submitters: Benign (4); Likely benign (2). Last evaluated 2025-12-26.

Conditions:
COCH-related disorder. Also called: COCH-related condition.
Autosomal dominant nonsyndromic hearing loss 9. Identifiers: Orphanet 90635, MedGen C1832425, MONDO:0011058, OMIM 601369.

Allele frequency attached by ClinVar (database versions not stated): gnomAD exomes 0.00019 and 0.00051; ExAC 0.00065; ESP Exome Variant Server 0.00154; 1000 Genomes Project 0.00160; gnomAD 0.00162 and 0.00173; TOPMed 0.00199; 1000 Genomes Project 30x 0.00219.
gnomAD v4.1: 528 of 1,614,100 alleles (0.033%); highest among the groups gnomAD compares: African/African-American, 0.56%; 2 homozygotes.

Submissions (6):

Labcorp Genetics (formerly Invitae), Labcorp
Classification: Benign. Last evaluated: 2025-12-26. Review status: criteria provided, single submitter. Criteria: Invitae Variant Classification Sherloc (09022015). Collection method: clinical testing. Allele origin: germline.

PreventionGenetics, part of Exact Sciences
Classification: Likely benign for COCH-related condition. Last evaluated: 2024-12-20. Review status: criteria provided, single submitter. Criteria: ACMG Guidelines, 2015. Collection method: clinical testing. Allele origin: germline.
Comment: This variant is classified as likely benign based on ACMG/AMP sequence variant interpretation guidelines (Richards et al. 2015 PMID: 25741868, with internal and published modifications).

Blueprint Genetics
Classification: Likely benign. Last evaluated: 2024-05-31. Review status: criteria provided, single submitter. Criteria: ACMG Guidelines, 2015. Collection method: clinical testing. Allele origin: germline.

GeneDx
Classification: Benign. Last evaluated: 2020-07-31. Review status: criteria provided, single submitter. Criteria: GeneDx Variant Classification Process June 2021. Collection method: clinical testing. Allele origin: germline. Affected: yes.

Illumina Laboratory Services, Illumina
Classification: Benign for Autosomal dominant nonsyndromic hearing loss 9. Last evaluated: 2018-01-13. Review status: criteria provided, single submitter. Criteria: ICSL Variant Classification Criteria 13 December 2019. Collection method: clinical testing. Allele origin: germline.
Comment: This variant was observed in the ICSL laboratory as part of a predisposition screen in an ostensibly healthy population. It had not been previously curated by ICSL or reported in the Human Gene Mutation Database (HGMD: prior to June 1st, 2018), and was therefore a candidate for classification through an automated scoring system. Utilizing variant allele frequency, disease prevalence and penetrance estimates, and inheritance mode, an automated score was calculated to assess if this variant is too frequent to cause the disease. Based on the score and internal cut-off values, a variant classified as benign is not then subjected to further curation. The score for this variant resulted in a classification of benign for this disease.

Eurofins Ntd Llc (ga)
Classification: Benign. Last evaluated: 2015-07-23. Review status: criteria provided, single submitter. Criteria: EGL Classification Definitions 2015. Collection method: clinical testing. Allele origin: germline. Observed: 1 variant allele, 1 heterozygote.